The following is an entry in ClinVar:

ClinVar aggregate classification (germline): Pathogenic (1 of 4 stars; one submission).

Conditions:
Duchenne muscular dystrophy (DMD). Also called: MUSCULAR DYSTROPHY, PSEUDOHYPERTROPHIC PROGRESSIVE, DUCHENNE TYPE; Duchenne Muscular Dystrophy (DMD). Identifiers: Orphanet 98896, MedGen C0013264, MONDO:0010679, OMIM 310200.

Submission:

Labcorp Genetics (formerly Invitae), Labcorp
Classification: Pathogenic for Duchenne muscular dystrophy. Last evaluated: 2023-08-17. Review status: criteria provided, single submitter. Criteria: Invitae Variant Classification Sherloc (09022015). Collection method: clinical testing. Allele origin: unknown.
Comment: This variant is a gross deletion of the genomic region encompassing exon(s) 50-51 of the DMD gene. This variant would be expected to be in-frame, preserving the integrity of the reading frame. A similar copy number variant has been observed in individuals with Becker muscular dystrophy (PMID: 8543940, 23667215, 25482253). For these reasons, this variant has been classified as Pathogenic.

Literature cited by the submitters: PubMed 8543940; PubMed 23667215; PubMed 25482253.

NC_000023.10:g.(?_31792057)_(31838220_?)del

Gene: DMD (dystrophin; minus strand). Cytogenetic location: Xp21.1.
Variant type: Deletion.
Identifiers: ClinVar variation 3248330 (VCV003248330.1).